The following is an entry in ClinVar:

ClinVar aggregate classification (germline): Uncertain significance (0 of 4 stars; one submission).

Conditions:
EIF4A2-related disorder. Also called: EIF4A2-related condition.

Submission:

PreventionGenetics, part of Exact Sciences
Classification: Uncertain significance for EIF4A2-related condition. Last evaluated: 2023-12-18. Review status: no assertion criteria provided. Collection method: clinical testing. Allele origin: germline.
Comment: The EIF4A2 c.514delC variant is predicted to result in a frameshift and premature protein termination (p.Leu172Phefs*18). To our knowledge, this variant has not been reported in the literature or in a large population database, indicating this variant is rare. A limited number of frameshift variants have been reported in the EIF4A2 gene and seem to be associated with autosomal recessive inheritance; however, one de novo frameshift was also reported (Paul et al. 2023. PubMed ID: 36528028). Although we suspect this variant could be pathogenic, at this time, the clinical significance of this variant is uncertain due to the absence of conclusive functional and genetic evidence.

NM_001967.4(EIF4A2):c.514del (p.Leu172fs)

Gene: EIF4A2 (eukaryotic translation initiation factor 4A2; plus strand). Cytogenetic location: 3q27.3.
Variant type: Deletion.
Coding change: c.514del on transcript NM_001967.4 (MANE Select); coding-DNA position 514, one base deleted (C; older notation c.514delC).
Protein change: p.Leu172fs; shifts the reading frame from leucine 172.
Molecular consequence: frameshift variant.
Genome position (GRCh38, 1-based): chr3:186,786,048, C deleted; the last of 2 consecutive C bases (chr3:186,786,047-186,786,048); deleting either gives the same sequence. VCF-style (leftmost placement, unchanged base first): chr3-186786046-AC-A. GRCh37 (hg19) VCF-style: chr3-186503835-AC-A.
Other names: short protein forms L172fs.
Identifiers: ClinVar variation 3028940 (VCV003028940.2), dbSNP rs2473968386, ClinGen allele CA2740091069.